The following is an entry in ClinVar:

NM_000553.6(WRN):c.2558G>A (p.Gly853Asp)

Gene: WRN (WRN RecQ like helicase; plus strand). Cytogenetic location: 8p12.
Variant type: single nucleotide variant.
Coding change: c.2558G>A on transcript NM_000553.6 (MANE Select); coding-DNA position 2558, G replaced by A.
Protein change: p.Gly853Asp; replaces glycine 853 with aspartic acid.
Molecular consequence: missense variant.
Genome position (GRCh38, 1-based): chr8:31,120,352, G>A. VCF-style: chr8-31120352-G-A. GRCh37 (hg19) VCF-style: chr8-30977868-G-A.
Other names: short protein forms G853D.
Identifiers: ClinVar variation 2768632 (VCV002768632.3), dbSNP rs2535986692, ClinGen allele CA370915559.

ClinVar aggregate classification (germline): Uncertain significance (1 of 4 stars; one submission).

Conditions:
Werner syndrome (WRN). Identifiers: Orphanet 902, MedGen C0043119, MONDO:0010196, OMIM 277700.

Submission:

Labcorp Genetics (formerly Invitae), Labcorp
Classification: Uncertain significance for Werner syndrome. Last evaluated: 2023-10-15. Review status: criteria provided, single submitter. Criteria: Invitae Variant Classification Sherloc (09022015). Collection method: clinical testing. Allele origin: germline.
Comment: This sequence change replaces glycine, which is neutral and non-polar, with aspartic acid, which is acidic and polar, at codon 853 of the WRN protein (p.Gly853Asp). This variant is not present in population databases (gnomAD no frequency). This variant has not been reported in the literature in individuals affected with WRN-related conditions. An algorithm developed to predict the effect of missense changes on protein structure and function (PolyPhen-2) suggests that this variant is likely to be disruptive. In summary, the available evidence is currently insufficient to determine the role of this variant in disease. Therefore, it has been classified as a Variant of Uncertain Significance.